The following is an entry in ClinVar:

NM_000039.3(APOA1):c.523C>G (p.Arg175Gly)

Gene: APOA1 (apolipoprotein A1; minus strand). Cytogenetic location: 11q23.3.
Variant type: single nucleotide variant.
Coding change: c.523C>G on transcript NM_000039.3 (MANE Select); coding-DNA position 523, C replaced by G.
Protein change: p.Arg175Gly; replaces arginine 175 with glycine.
Molecular consequence: missense variant.
Genome position (GRCh38, 1-based): chr11:116,836,089, G>C on the plus strand (C>G on the coding strand, the complement: APOA1 is on the minus strand). VCF-style: chr11-116836089-G-C. GRCh37 (hg19) VCF-style: chr11-116706805-G-C.
Other names: c.523C>G, p.Arg175Gly (NM_001318017.2, NM_001318018.2); c.196C>G, p.Arg66Gly (NM_001318021.2); short protein forms R175G, R66G.
Identifiers: ClinVar variation 1746278 (VCV001746278.4), dbSNP rs1418355699, ClinGen allele CA382715346.

ClinVar aggregate classification (germline): Uncertain significance. Review status: criteria provided, multiple submitters, no conflicts (2 of 4 stars). 2 submissions from 2 submitters: Uncertain significance (2). Last evaluated 2024-01-31.

Conditions:
Cardiovascular phenotype. Identifiers: MedGen CN230736.

Allele frequency attached by ClinVar (database versions not stated): TOPMed below 0.00001.
gnomAD v4.1: 2 of 1,607,144 alleles (0.00012%); highest among the groups gnomAD compares: Non-Finnish European, 0.00017%; no homozygotes.

Submissions (2):

Labcorp Genetics (formerly Invitae), Labcorp
Classification: Uncertain significance. Last evaluated: 2024-01-31. Review status: criteria provided, single submitter. Criteria: Invitae Variant Classification Sherloc (09022015). Collection method: clinical testing. Allele origin: germline.
Comment: This sequence change replaces arginine, which is basic and polar, with glycine, which is neutral and non-polar, at codon 175 of the APOA1 protein (p.Arg175Gly). This variant is not present in population databases (gnomAD no frequency). This variant has not been reported in the literature in individuals affected with APOA1-related conditions. ClinVar contains an entry for this variant (Variation ID: 1746278). Advanced modeling of protein sequence and biophysical properties (such as structural, functional, and spatial information, amino acid conservation, physicochemical variation, residue mobility, and thermodynamic stability) performed at Invitae indicates that this missense variant is not expected to disrupt APOA1 protein function with a negative predictive value of 80%. In summary, the available evidence is currently insufficient to determine the role of this variant in disease. Therefore, it has been classified as a Variant of Uncertain Significance.

Ambry Genetics
Classification: Uncertain significance for Cardiovascular phenotype. Last evaluated: 2021-01-15. Review status: criteria provided, single submitter. Criteria: Ambry Variant Classification Scheme 2023. Collection method: clinical testing. Allele origin: germline.
Comment: The p.R175G variant (also known as c.523C>G), located in coding exon 3 of the APOA1 gene, results from a C to G substitution at nucleotide position 523. The arginine at codon 175 is replaced by glycine, an amino acid with dissimilar properties. This amino acid position is not well conserved in available vertebrate species, and glycine is the reference amino acid in other vertebrate species. In addition, this alteration is predicted to be tolerated by in silico analysis. Since supporting evidence is limited at this time, the clinical significance of this alteration remains unclear.